The following is an entry in ClinVar:

ClinVar aggregate classification (germline): Uncertain significance. Review status: criteria provided, multiple submitters, no conflicts (2 of 4 stars). 2 submissions from 2 submitters: Uncertain significance (2). Last evaluated 2024-01-11.

Conditions:
Tuberous sclerosis 1 (TSC1). Identifiers: Orphanet 805, MedGen C1854465, MONDO:0008612, OMIM 191100.
Isolated focal cortical dysplasia type II (FCORD2). Also called: CORTICAL DYSPLASIA OF TAYLOR; Focal cortical dysplasia type II. Identifiers: Orphanet 268994, MedGen C1846385, MONDO:0011818, OMIM 607341, HP:0032051.

Allele frequency attached by ClinVar (database versions not stated): gnomAD exomes below 0.00001.
gnomAD v4.1: 1 of 1,614,198 alleles (0.000062%); highest among the groups gnomAD compares: Admixed American, 0.0017%; no homozygotes.

Submissions (2):

Baylor Genetics
Classification: Uncertain significance for Isolated focal cortical dysplasia type II. Last evaluated: 2024-01-11. Review status: criteria provided, single submitter. Criteria: ACMG Guidelines, 2015. Collection method: clinical testing. Allele origin: unknown.

Labcorp Genetics (formerly Invitae), Labcorp
Classification: Uncertain significance for Tuberous sclerosis 1. Last evaluated: 2022-09-22. Review status: criteria provided, single submitter. Criteria: Invitae Variant Classification Sherloc (09022015). Collection method: clinical testing. Allele origin: germline.
Comment: Advanced modeling of protein sequence and biophysical properties (such as structural, functional, and spatial information, amino acid conservation, physicochemical variation, residue mobility, and thermodynamic stability) performed at Invitae indicates that this missense variant is not expected to disrupt TSC1 protein function. This variant has not been reported in the literature in individuals affected with TSC1-related conditions. This variant is not present in population databases (gnomAD no frequency). This sequence change replaces glycine, which is neutral and non-polar, with cysteine, which is neutral and slightly polar, at codon 967 of the TSC1 protein (p.Gly967Cys). Algorithms developed to predict the effect of sequence changes on RNA splicing suggest that this variant may disrupt the consensus splice site. In summary, the available evidence is currently insufficient to determine the role of this variant in disease. Therefore, it has been classified as a Variant of Uncertain Significance.

NM_000368.5(TSC1):c.2899G>T (p.Gly967Cys)

Gene: TSC1 (TSC complex subunit 1; minus strand). Cytogenetic location: 9q34.13.
Variant type: single nucleotide variant.
Coding change: c.2899G>T on transcript NM_000368.5 (MANE Select); coding-DNA position 2899, G replaced by T.
Protein change: p.Gly967Cys; replaces glycine 967 with cysteine.
Molecular consequence: missense variant.
Genome position (GRCh38, 1-based): chr9:132,897,260, C>A on the plus strand (G>T on the coding strand, the complement: TSC1 is on the minus strand). VCF-style: chr9-132897260-C-A. GRCh37 (hg19) VCF-style: chr9-135772647-C-A.
Other names: c.2896G>T, p.Gly966Cys (NM_001162426.2, NM_001406597.1, NM_001406598.1 and 2 more transcripts); c.2746G>T, p.Gly916Cys (NM_001162427.2, NM_001406610.1); c.2536G>T, p.Gly846Cys (NM_001362177.2, NM_001406614.1, NM_001406615.1 and 4 more transcripts); c.2899G>T, p.Gly967Cys (NM_001406592.1, NM_001406593.1, NM_001406594.1 and 2 more transcripts); c.2857G>T, p.Gly953Cys (NM_001406606.1, NM_001406607.1, NM_001406605.1); c.2854G>T, p.Gly952Cys (NM_001406608.1, NM_001406609.1); c.2743G>T, p.Gly915Cys (NM_001406611.1, NM_001406612.1); c.2701G>T, p.Gly901Cys (NM_001406613.1); and 8 more; short protein forms G901C, G916C, G961C, G967C, G616C, G831C, G845C, G846C.
Identifiers: ClinVar variation 2157965 (VCV002157965.5), dbSNP rs1006963290, ClinGen allele CA375368608.